The following is an entry in ClinVar:

NM_001127198.5(TMC6):c.1651C>T (p.Arg551Trp)

Gene: TMC6 (transmembrane channel like 6; minus strand). Cytogenetic location: 17q25.3.
Variant type: single nucleotide variant.
Coding change: c.1651C>T on transcript NM_001127198.5 (MANE Select); coding-DNA position 1651, C replaced by T.
Protein change: p.Arg551Trp; replaces arginine 551 with tryptophan.
Molecular consequence: missense variant. On other transcripts: intron variant (2).
Genome position (GRCh38, 1-based): chr17:78,120,717, G>A on the plus strand (C>T on the coding strand, the complement: TMC6 is on the minus strand). VCF-style: chr17-78120717-G-A. GRCh37 (hg19) VCF-style: chr17-76116798-G-A.
Other names: c.1651C>T, p.Arg551Trp (NM_001321185.1, NM_001374596.1, NM_001375353.1 and 2 more transcripts); c.1535+296C>T (NM_001374594.1, NM_001374593.1); short protein forms R551W.
Identifiers: ClinVar variation 956428 (VCV000956428.6), dbSNP rs779481795, ClinGen allele CA8795660.
Genomic context (GRCh38, chr17:78,120,717, plus strand): 5'-ACACCAGTTCCCCAAAAAGCGTGTCCAGCAACATGAGGACGAAGTCCATCACCAGGAACC[G>A]GTACAGCTCCTGGCCCACAAAATCCTCCCAGCACTGGCCCTGCAGGACGCCCACCCTGCG-3'
Protein context (NP_001120670.1, residues 541-561): WEDFVGQELY[Arg551Trp]FLVMDFVLML

ClinVar aggregate classification (germline): Uncertain significance (1 of 4 stars; one submission).

Conditions:
Epidermodysplasia verruciformis. Identifiers: Orphanet 302, MedGen C0014522, MONDO:0009176.

Allele frequency attached by ClinVar (database versions not stated): gnomAD exomes 0.00001 and 0.00003; ExAC 0.00002; gnomAD 0.00002; TOPMed 0.00002.
gnomAD v4.1: 46 of 1,613,860 alleles (0.0029%); highest among the groups gnomAD compares: Non-Finnish European, 0.0035%; no homozygotes.

Submission:

Labcorp Genetics (formerly Invitae), Labcorp
Classification: Uncertain significance for Epidermodysplasia verruciformis. Last evaluated: 2022-10-13. Review status: criteria provided, single submitter. Criteria: Invitae Variant Classification Sherloc (09022015). Collection method: clinical testing. Allele origin: germline.
Comment: In summary, the available evidence is currently insufficient to determine the role of this variant in disease. Therefore, it has been classified as a Variant of Uncertain Significance. Algorithms developed to predict the effect of missense changes on protein structure and function are either unavailable or do not agree on the potential impact of this missense change (SIFT: "Not Available"; PolyPhen-2: "Probably Damaging"; Align-GVGD: "Not Available"). ClinVar contains an entry for this variant (Variation ID: 956428). This variant has not been reported in the literature in individuals affected with TMC6-related conditions. This variant is present in population databases (rs779481795, gnomAD 0.004%). This sequence change replaces arginine, which is basic and polar, with tryptophan, which is neutral and slightly polar, at codon 551 of the TMC6 protein (p.Arg551Trp).